The following is an entry in ClinVar:

NM_001963.6(EGF):c.3448G>T (p.Val1150Leu)

Gene: EGF (epidermal growth factor; plus strand). Cytogenetic location: 4q25.
Variant type: single nucleotide variant.
Coding change: c.3448G>T on transcript NM_001963.6 (MANE Select); coding-DNA position 3448, G replaced by T.
Protein change: p.Val1150Leu; replaces valine 1150 with leucine.
Molecular consequence: missense variant.
Genome position (GRCh38, 1-based): chr4:110,011,279, G>T. VCF-style: chr4-110011279-G-T. GRCh37 (hg19) VCF-style: chr4-110932435-G-T.
Other names: c.3325G>T, p.Val1109Leu (NM_001178130.3); c.3322G>T, p.Val1108Leu (NM_001178131.3); c.3000G>T, p.Gln1000His (NM_001357021.2); short protein forms Q1000H, V1108L, V1150L, V1109L.
Identifiers: ClinVar variation 4771022 (VCV004771022.1).

ClinVar aggregate classification (germline): Uncertain significance (1 of 4 stars; one submission).

gnomAD v4.1: 6 of 1,614,192 alleles (0.00037%); highest among the groups gnomAD compares: African/African-American, 0.0013%; no homozygotes.

Submission:

Labcorp Genetics (formerly Invitae), Labcorp
Classification: Uncertain significance. Last evaluated: 2025-06-08. Review status: criteria provided, single submitter. Criteria: Invitae Variant Classification Sherloc (09022015). Collection method: clinical testing. Allele origin: germline.
Comment: This sequence change replaces valine, which is neutral and non-polar, with leucine, which is neutral and non-polar, at codon 1150 of the EGF protein (p.Val1150Leu). This variant is not present in population databases (gnomAD no frequency). This variant has not been reported in the literature in individuals affected with EGF-related conditions. An algorithm developed to predict the effect of missense changes on protein structure and function outputs the following: PolyPhen-2: "Benign". The leucine amino acid residue is found in multiple mammalian species, which suggests that this missense change does not adversely affect protein function. In summary, the available evidence is currently insufficient to determine the role of this variant in disease. Therefore, it has been classified as a Variant of Uncertain Significance.